The following is an entry in ClinVar:

ClinVar aggregate classification (germline): Uncertain significance (1 of 4 stars; one submission).

Conditions:
RFT1-congenital disorder of glycosylation (CDG1N). Also called: RFT1-CDG; Congenital disorder of glycosylation type In; CDG In. Identifiers: Orphanet 244310, MedGen C2677590, MONDO:0012783, OMIM 612015.

Allele frequency attached by ClinVar (database versions not stated): gnomAD exomes below 0.00001.

Submission:

Labcorp Genetics (formerly Invitae), Labcorp
Classification: Uncertain significance for RFT1-congenital disorder of glycosylation. Last evaluated: 2022-08-10. Review status: criteria provided, single submitter. Criteria: Invitae Variant Classification Sherloc (09022015). Collection method: clinical testing. Allele origin: germline.
Comment: This sequence change replaces glycine, which is neutral and non-polar, with aspartic acid, which is acidic and polar, at codon 430 of the RFT1 protein (p.Gly430Asp). This variant is not present in population databases (gnomAD no frequency). This variant has not been reported in the literature in individuals affected with RFT1-related conditions. Algorithms developed to predict the effect of missense changes on protein structure and function (SIFT, PolyPhen-2, Align-GVGD) all suggest that this variant is likely to be disruptive. In summary, the available evidence is currently insufficient to determine the role of this variant in disease. Therefore, it has been classified as a Variant of Uncertain Significance.

NM_052859.4(RFT1):c.1289G>A (p.Gly430Asp)

Gene: RFT1 (RFT1 glycolipid translocator homolog; minus strand). Cytogenetic location: 3p21.1.
Variant type: single nucleotide variant.
Coding change: c.1289G>A on transcript NM_052859.4 (MANE Select); coding-DNA position 1289, G replaced by A.
Protein change: p.Gly430Asp; replaces glycine 430 with aspartic acid.
Molecular consequence: missense variant.
Genome position (GRCh38, 1-based): chr3:53,092,538, C>T on the plus strand (G>A on the coding strand, the complement: RFT1 is on the minus strand). VCF-style: chr3-53092538-C-T. GRCh37 (hg19) VCF-style: chr3-53126554-C-T.
Other names: short protein forms G430D.
Identifiers: ClinVar variation 2418769 (VCV002418769.3), dbSNP rs2470938070, ClinGen allele CA353227055.